The following is an entry in ClinVar:

NM_000202.8(IDS):c.145_161delinsT (p.Pro49fs)

Gene: IDS (iduronate 2-sulfatase; minus strand). Cytogenetic location: Xq28.
Variant type: Indel.
Coding change: c.145_161delinsT on transcript NM_000202.8 (MANE Select); coding-DNA positions 145 to 161, CCCTCCCTGGGCTGTTA replaced by T.
Protein change: p.Pro49fs; shifts the reading frame from proline 49.
Molecular consequence: frameshift variant. On other transcripts: 5 prime UTR variant (1), non-coding transcript variant (1).
Genome position (GRCh38, 1-based): chrX:149,504,236-149,504,252, TAACAGCCCAGGGAGGG replaced by A on the plus strand (CCCTCCCTGGGCTGTTA replaced by T on the coding strand, the reverse complement: IDS is on the minus strand). VCF-style: chrX-149504236-TAACAGCCCAGGGAGGG-A. GRCh37 (hg19) VCF-style: chrX-148585766-TAACAGCCCAGGGAGGG-A.
Other names: c.-82_-66delinsT (NM_001166550.4); c.145_161delinsT, p.Pro49fs (NM_006123.5); short protein forms P49fs.
Identifiers: ClinVar variation 3255912 (VCV003255912.2).

ClinVar aggregate classification (germline): Pathogenic (1 of 4 stars; one submission).

Conditions:
Mucopolysaccharidosis, MPS-II (MPS2). Also called: Hunter Syndrome; IDURONATE 2-SULFATASE DEFICIENCY; Mucopolysaccharidosis Type II; Mucopolysaccharidosis type 2; Attenuated MPS (subtype; formerly known as mild MPS II); Severe MPS II. Identifiers: Orphanet 580, Orphanet 79388, MedGen C0026705, MONDO:0010674, OMIM 309900.

Submission:

Laboratory of Diagnosis and Therapy of Lysosomal Disorders, University of Padova
Classification: Pathogenic for Mucopolysaccharidosis, MPS-II. Last evaluated: 2024-06-07. Review status: criteria provided, single submitter. Criteria: ACMG Guidelines, 2015. Collection method: literature only. Allele origin: germline. Affected: yes. Observed: 1 variant allele.
Comment: Null variant (PVS1_VeryStrong), De novo (PS2_Moderate), Absent from controls (or at low frequency) in gnomAD database (PM2_Moderate), Patient’s phenotype or family history highly specific for the disease (PP4_Moderate)

Classification method: ACMG Guidelines [PMID:25741868] with modifications

Literature cited by the submitters: PubMed 14728992.